The following is an entry in ClinVar:

ClinVar aggregate classification (germline): Uncertain significance. Review status: criteria provided, multiple submitters, no conflicts (2 of 4 stars). 2 submissions from 2 submitters: Uncertain significance (2). Last evaluated 2025-01-19.

Conditions:
Supranuclear palsy, progressive, 1 (PSNP1). Also called: STEELE-RICHARDSON-OLSZEWSKI SYNDROME. Identifiers: Orphanet 240071, MedGen C4551863, MONDO:0010997, OMIM 601104.
Frontotemporal dementia (FTD1). Also called: Frontotemporal Dementia with Parkinsonism-17 (FTDP-17); FRONTOTEMPORAL DEMENTIA WITH PARKINSONISM; WILHELMSEN-LYNCH DISEASE; Frontotemporal lobe dementia (FLDEM); FRONTOTEMPORAL LOBE DEMENTIA; FRONTOTEMPORAL LOBAR DEGENERATION WITH TAU INCLUSIONS. Identifiers: Orphanet 282, MedGen C0338451, MONDO:0017276, OMIM 600274, HP:0002145.

Allele frequency attached by ClinVar (database versions not stated): gnomAD exomes 0.00002 and 0.00003; ExAC 0.00007; TOPMed 0.00007; ESP Exome Variant Server 0.00008.
gnomAD v4.1: 42 of 1,581,954 alleles (0.0027%); highest among the groups gnomAD compares: Admixed American, 0.036%; no homozygotes.

Submissions (2):

Labcorp Genetics (formerly Invitae), Labcorp
Classification: Uncertain significance for Frontotemporal dementia. Last evaluated: 2025-01-19. Review status: criteria provided, single submitter. Criteria: Invitae Variant Classification Sherloc (09022015). Collection method: clinical testing. Allele origin: germline.
Comment: This sequence change replaces valine, which is neutral and non-polar, with isoleucine, which is neutral and non-polar, at codon 287 of the MAPT protein (p.Val287Ile). The frequency data for this variant in the population databases is considered unreliable, as metrics indicate poor data quality at this position in the gnomAD database. This missense change has been observed in individual(s) with Alzheimer's disease and frontotemporal dementia (PMID: 22906081, 27606344, 32317127). ClinVar contains an entry for this variant (Variation ID: 962043). Invitae Evidence Modeling of protein sequence and biophysical properties (such as structural, functional, and spatial information, amino acid conservation, physicochemical variation, residue mobility, and thermodynamic stability) indicates that this missense variant is not expected to disrupt MAPT protein function with a negative predictive value of 80%. In summary, the available evidence is currently insufficient to determine the role of this variant in disease. Therefore, it has been classified as a Variant of Uncertain Significance.

Neuberg Centre For Genomic Medicine, NCGM
Classification: Uncertain significance for Supranuclear palsy, progressive, 1. Review status: criteria provided, single submitter. Criteria: ACMG Guidelines, 2015. Collection method: clinical testing. Allele origin: germline. Inheritance: Autosomal dominant inheritance. Affected: yes.

Literature cited by the submitters: PubMed 22906081 (cited by Labcorp Genetics (formerly Invitae), Labcorp); PubMed 27606344 (cited by Labcorp Genetics (formerly Invitae), Labcorp); PubMed 32317127 (cited by Labcorp Genetics (formerly Invitae), Labcorp).

NM_001377265.1(MAPT):c.2035G>A (p.Val679Ile)

Gene: MAPT (microtubule associated protein tau). Cytogenetic location: 17q21.31.
Variant type: single nucleotide variant.
Coding change: c.2035G>A on transcript NM_001377265.1 (MANE Select); coding-DNA position 2035, G replaced by A.
Protein change: p.Val679Ile; replaces valine 679 with isoleucine.
Molecular consequence: missense variant. On other transcripts: intron variant (6).
Genome position (GRCh38, 1-based): chr17:46,010,346, G>A. VCF-style: chr17-46010346-G-A. GRCh37 (hg19) VCF-style: chr17-44087712-G-A.
Other names: c.1864G>A, p.Val622Ile (NM_001123066.4); c.772G>A, p.Val258Ile (NM_001123067.4); c.859G>A, p.Val287Ile (NM_005910.6); c.685G>A, p.Val229Ile (NM_016834.5); c.1810G>A, p.Val604Ile (NM_016835.5); c.649-3897G>A (NM_001377268.1, NM_016841.5); c.823-3897G>A (NM_001203252.2); c.1801-3897G>A (NM_001377266.1); and 1 more; short protein forms V229I, V258I, V287I, V604I, V622I, V679I.
Identifiers: ClinVar variation 962043 (VCV000962043.10), dbSNP rs149280278, ClinGen allele CA8618179.